The following is an entry in ClinVar:

NC_000005.9:g.(?_80057355)_(80057507_?)del

Gene: MSH3 (mutS homolog 3; plus strand). Cytogenetic location: 5q14.1.
Variant type: Deletion.
Identifiers: ClinVar variation 3246484 (VCV003246484.1).

ClinVar aggregate classification (germline): Pathogenic (1 of 4 stars; one submission).

Submission:

Labcorp Genetics (formerly Invitae), Labcorp
Classification: Pathogenic. Last evaluated: 2023-07-31. Review status: criteria provided, single submitter. Criteria: Invitae Variant Classification Sherloc (09022015). Collection method: clinical testing. Allele origin: unknown.
Comment: For these reasons, this variant has been classified as Pathogenic. This variant has not been reported in the literature in individuals affected with MSH3-related conditions. This variant is a gross deletion of the genomic region encompassing exon(s) 13 of the MSH3 gene. This deletion is out-of-frame, and is expected to create a premature termination codon and result in an absent or disrupted protein product. Loss-of-function variants in MSH3 are known to be pathogenic (PMID: 27476653).

Literature cited by the submitters: PubMed 27476653.